The following is an entry in ClinVar:

ClinVar aggregate classification (germline): Uncertain significance (1 of 4 stars; one submission).

Allele frequency attached by ClinVar (database versions not stated): gnomAD exomes below 0.00001; gnomAD 0.00001; TOPMed 0.00002.
gnomAD v4.1: 4 of 1,613,712 alleles (0.00025%); highest among the groups gnomAD compares: Admixed American, 0.0033%; no homozygotes.

Submission:

Labcorp Genetics (formerly Invitae), Labcorp
Classification: Uncertain significance. Last evaluated: 2022-05-19. Review status: criteria provided, single submitter. Criteria: Invitae Variant Classification Sherloc (09022015). Collection method: clinical testing. Allele origin: germline.
Comment: This sequence change replaces alanine, which is neutral and non-polar, with valine, which is neutral and non-polar, at codon 461 of the PCLO protein (p.Ala461Val). This variant is present in population databases (rs796149623, gnomAD 0.006%). This variant has not been reported in the literature in individuals affected with PCLO-related conditions. Algorithms developed to predict the effect of missense changes on protein structure and function are either unavailable or do not agree on the potential impact of this missense change (SIFT: "Deleterious"; PolyPhen-2: "Possibly Damaging"; Align-GVGD: "Class C0"). In summary, the available evidence is currently insufficient to determine the role of this variant in disease. Therefore, it has been classified as a Variant of Uncertain Significance.

NM_033026.6(PCLO):c.1382C>T (p.Ala461Val)

Gene: PCLO (piccolo presynaptic cytomatrix protein; minus strand). Cytogenetic location: 7q21.11.
Variant type: single nucleotide variant.
Coding change: c.1382C>T on transcript NM_033026.6 (MANE Select); coding-DNA position 1382, C replaced by T.
Protein change: p.Ala461Val; replaces alanine 461 with valine.
Molecular consequence: missense variant.
Genome position (GRCh38, 1-based): chr7:83,155,259, G>A on the plus strand (C>T on the coding strand, the complement: PCLO is on the minus strand). VCF-style: chr7-83155259-G-A. GRCh37 (hg19) VCF-style: chr7-82784575-G-A.
Other names: c.1382C>T, p.Ala461Val (NM_014510.3); short protein forms A461V.
Identifiers: ClinVar variation 1899946 (VCV001899946.2), dbSNP rs796149623, ClinGen allele CA161191019.